The following is an entry in ClinVar:

NM_016373.4(WWOX):c.77CCA[1] (p.Thr27del)

Gene: WWOX (WW domain containing oxidoreductase; plus strand). Cytogenetic location: 16q23.1.
Variant type: Microsatellite.
Coding change: c.77CCA[1] on transcript NM_016373.4 (MANE Select); one copy of the 3-base unit CCA starting at c.77; the reference has two copies in a row; one copy, 3 bases deleted.
Protein change: p.Thr27del; deletes threonine 27.
Molecular consequence: inframe deletion. On other transcripts: 5 prime UTR variant (1), non-coding transcript variant (2).
Genome position (GRCh38, 1-based): chr16:78,099,858-78,099,860, CCA deleted; deleting any 3 consecutive bases within chr16:78,099,854-78,099,860 gives the same sequence; the position shown is the placement nearest the transcript's 3' end. VCF-style (leftmost placement, unchanged base first): chr16-78099853-AACC-A. GRCh37 (hg19) VCF-style: chr16-78133750-AACC-A.
Other names: c.-198CCA[1] (NM_001291997.2); c.77CCA[1], p.Thr27del (NM_130791.5); short protein forms T27del.
Identifiers: ClinVar variation 1039606 (VCV001039606.6), dbSNP rs763124571, ClinGen allele CA8182985.

ClinVar aggregate classification (germline): Uncertain significance (1 of 4 stars; one submission).

Conditions:
Developmental and epileptic encephalopathy, 1 (DEE1). Also called: X-linked infantile spasms; West's syndrome; Tonic spasms with clustering, arrest of psychomotor development and hypsarrhythmia on EEG; X-Linked Infantile Spasm Syndrome; OHTAHARA SYNDROME, X-LINKED; INFANTILE SPASM SYNDROME, X-LINKED 1. Identifiers: MedGen C3463992, MONDO:0010632, OMIM 308350. Disease mechanism: loss of function.
Autosomal recessive spinocerebellar ataxia 12. Also called: SPINOCEREBELLAR ATAXIA WITH MENTAL RETARDATION AND EPILEPSY. Identifiers: Orphanet 284282, MedGen C3280452, MONDO:0013687, OMIM 614322.

Submission:

Labcorp Genetics (formerly Invitae), Labcorp
Classification: Uncertain significance for Developmental and epileptic encephalopathy, 1; Autosomal recessive spinocerebellar ataxia 12. Last evaluated: 2022-04-28. Review status: criteria provided, single submitter. Criteria: Invitae Variant Classification Sherloc (09022015). Collection method: clinical testing. Allele origin: germline.
Comment: This variant, c.80_82del, results in the deletion of 1 amino acid(s) of the WWOX protein (p.Thr27del), but otherwise preserves the integrity of the reading frame. This variant is not present in population databases (gnomAD no frequency). This variant has not been reported in the literature in individuals affected with WWOX-related conditions. Experimental studies and prediction algorithms are not available or were not evaluated, and the functional significance of this variant is currently unknown. In summary, the available evidence is currently insufficient to determine the role of this variant in disease. Therefore, it has been classified as a Variant of Uncertain Significance.